The following is an entry in ClinVar:

NM_022367.4(SEMA4A):c.1182C>G (p.Asp394Glu)

Gene: SEMA4A (semaphorin 4A; plus strand). Cytogenetic location: 1q22.
Variant type: single nucleotide variant.
Coding change: c.1182C>G on transcript NM_022367.4 (MANE Select); coding-DNA position 1182, C replaced by G.
Protein change: p.Asp394Glu; replaces aspartic acid 394 with glutamic acid.
Molecular consequence: missense variant.
Genome position (GRCh38, 1-based): chr1:156,172,873, C>G. VCF-style: chr1-156172873-C-G. GRCh37 (hg19) VCF-style: chr1-156142664-C-G.
Other names: c.675C>G, p.Asp225Glu (NM_001370569.1, NM_001370571.1); c.1182C>G, p.Asp394Glu (NM_001193301.2, NM_001370567.1, NM_001193300.2); c.786C>G, p.Asp262Glu (NM_001193302.2); c.885C>G, p.Asp295Glu (NM_001370568.1); short protein forms D225E, D262E, D295E, D394E.
Identifiers: ClinVar variation 2822636 (VCV002822636.3), dbSNP rs2528280620, ClinGen allele CA342806700.
Genomic context (GRCh38, chr1:156,172,873, plus strand): 5'-CCTCCTCCTTTAGTGCTCAGTGGGCCCCTCCTCTGATAAGGCCCTGACCTTCATGAAGGA[C>G]CATTTCCTGATGGATGAGCAAGTGGTGGGGACGCCCCTGCTGGTGAAATCTGGCGTGGAG-3'
Protein context (NP_071762.2, residues 384-404): SSDKALTFMK[Asp394Glu]HFLMDEQVVG

ClinVar aggregate classification (germline): Uncertain significance (1 of 4 stars; one submission).

Submission:

Labcorp Genetics (formerly Invitae), Labcorp
Classification: Uncertain significance. Last evaluated: 2022-12-20. Review status: criteria provided, single submitter. Criteria: Invitae Variant Classification Sherloc (09022015). Collection method: clinical testing. Allele origin: germline.
Comment: This sequence change replaces aspartic acid, which is acidic and polar, with glutamic acid, which is acidic and polar, at codon 394 of the SEMA4A protein (p.Asp394Glu). This variant is not present in population databases (gnomAD no frequency). This variant has not been reported in the literature in individuals affected with SEMA4A-related conditions. Advanced modeling of protein sequence and biophysical properties (such as structural, functional, and spatial information, amino acid conservation, physicochemical variation, residue mobility, and thermodynamic stability) performed at Invitae indicates that this missense variant is not expected to disrupt SEMA4A protein function. In summary, the available evidence is currently insufficient to determine the role of this variant in disease. Therefore, it has been classified as a Variant of Uncertain Significance.